The following is an entry in ClinVar:

ClinVar aggregate classification (germline): Uncertain significance (1 of 4 stars; one submission).

Allele frequency attached by ClinVar (database versions not stated): TOPMed below 0.00001; ExAC 0.00001; gnomAD exomes 0.00001; ESP Exome Variant Server 0.00008.

Submission:

GeneDx
Classification: Uncertain significance. Last evaluated: 2022-11-02. Review status: criteria provided, single submitter. Criteria: GeneDx Variant Classification Process June 2021. Collection method: clinical testing. Allele origin: germline. Affected: yes.
Comment: Not observed at significant frequency in large population cohorts (gnomAD); In silico analysis supports that this missense variant has a deleterious effect on protein structure/function; Has not been previously published as pathogenic or benign to our knowledge

NM_001377.3(DYNC2H1):c.5492A>G (p.Tyr1831Cys)

Gene: DYNC2H1 (dynein cytoplasmic 2 heavy chain 1; plus strand). Cytogenetic location: 11q22.3.
Variant type: single nucleotide variant.
Coding change: c.5492A>G on transcript NM_001377.3 (MANE Select); coding-DNA position 5492, A replaced by G.
Protein change: p.Tyr1831Cys; replaces tyrosine 1831 with cysteine.
Molecular consequence: missense variant.
Genome position (GRCh38, 1-based): chr11:103,173,239, A>G. VCF-style: chr11-103173239-A-G. GRCh37 (hg19) VCF-style: chr11-103043968-A-G.
Other names: c.5492A>G, p.Tyr1831Cys (NM_001080463.2); short protein forms Y1831C.
Identifiers: ClinVar variation 2501428 (VCV002501428.1), dbSNP rs372041369, ClinGen allele CA6253772.